The following is an entry in ClinVar:

NM_001376.5(DYNC1H1):c.13516-14G>C

Gene: DYNC1H1 (dynein cytoplasmic 1 heavy chain 1; plus strand). Cytogenetic location: 14q32.31.
Variant type: single nucleotide variant.
Coding change: c.13516-14G>C on transcript NM_001376.5 (MANE Select); 14 bases into the intron before coding-DNA position 13516, G replaced by C.
Molecular consequence: intron variant.
Genome position (GRCh38, 1-based): chr14:102,049,700, G>C. VCF-style: chr14-102049700-G-C. GRCh37 (hg19) VCF-style: chr14-102516037-G-C.
Identifiers: ClinVar variation 682332 (VCV000682332.8), dbSNP rs768543264, ClinGen allele CA7354282.

ClinVar aggregate classification (germline): Likely benign. Review status: criteria provided, multiple submitters, no conflicts (2 of 4 stars). 2 submissions from 2 submitters: Likely benign (2). Last evaluated 2025-02-17.

Conditions:
Charcot-Marie-Tooth disease axonal type 2O. Also called: Charcot-Marie-Tooth Neuropathy Type 2O; CHARCOT-MARIE-TOOTH NEUROPATHY, AXONAL, TYPE 2O; CHARCOT-MARIE-TOOTH DISEASE, AXONAL, AUTOSOMAL DOMINANT, TYPE 2O; Charcot-Marie-Tooth disease, axonal, type 20. Identifiers: Orphanet 284232, MedGen C3280220, MONDO:0013644, OMIM 614228.

Allele frequency attached by ClinVar (database versions not stated): gnomAD exomes 0.00001 and 0.00004; gnomAD 0.00006; TOPMed 0.00008; ExAC 0.00003.
gnomAD v4.1: 21 of 1,613,738 alleles (0.0013%); highest among the groups gnomAD compares: African/African-American, 0.025%; no homozygotes.

Submissions (2):

Labcorp Genetics (formerly Invitae), Labcorp
Classification: Likely benign for Charcot-Marie-Tooth disease axonal type 2O. Last evaluated: 2025-02-17. Review status: criteria provided, single submitter. Criteria: Invitae Variant Classification Sherloc (09022015). Collection method: clinical testing. Allele origin: germline.

GeneDx
Classification: Likely benign. Last evaluated: 2018-04-25. Review status: criteria provided, single submitter. Criteria: GeneDx Variant Classification (06012015). Collection method: clinical testing. Allele origin: germline. Affected: yes.
Comment: This variant is considered likely benign or benign based on one or more of the following criteria: it is a conservative change, it occurs at a poorly conserved position in the protein, it is predicted to be benign by multiple in silico algorithms, and/or has population frequency not consistent with disease.